The following is an entry in ClinVar:

NM_001042492.3(NF1):c.2851-9T>C

Gene: NF1 (neurofibromin 1; plus strand). Cytogenetic location: 17q11.2.
Variant type: single nucleotide variant.
Coding change: c.2851-9T>C on transcript NM_001042492.3 (MANE Select); 9 bases into the intron before coding-DNA position 2851, T replaced by C.
Molecular consequence: intron variant.
Genome position (GRCh38, 1-based): chr17:31,229,826, T>C. VCF-style: chr17-31229826-T-C. GRCh37 (hg19) VCF-style: chr17-29556844-T-C.
Other names: c.2851-9T>C (NM_000267.4).
Identifiers: ClinVar variation 4875851 (VCV004875851.1).

ClinVar aggregate classification (germline): Likely benign (1 of 4 stars; one submission).

Conditions:
Neurofibromatosis, type 1 (NF1). Also called: VON RECKLINGHAUSEN DISEASE; NEUROFIBROMATOSIS, TYPE I, SOMATIC; Peripheral type neurofibromatosis; Neurofibromatosis, type I. Identifiers: Orphanet 636, MedGen C0027831, MONDO:0018975, OMIM 162200. Disease mechanism: loss of function.

gnomAD v4.1: 1 of 1,611,688 alleles (0.000062%); highest among the groups gnomAD compares: Non-Finnish European, 0.000085%; no homozygotes.

Submission:

Myriad Genetics, Inc.
Classification: Likely benign for Neurofibromatosis, type 1. Last evaluated: 2026-05-12. Review status: criteria provided, single submitter. Criteria: Myriad Autosomal Dominant, Autosomal Recessive and X-Linked Classification Criteria (2023). Collection method: clinical testing. Allele origin: unknown.
Comment: This variant is considered likely benign. This variant is intronic and is not expected to impact mRNA splicing.